The following is an entry in ClinVar:

NM_002294.3(LAMP2):c.710T>C (p.Met237Thr)

Gene: LAMP2 (lysosome associated membrane protein 2; minus strand). Cytogenetic location: Xq24.
Variant type: single nucleotide variant.
Coding change: c.710T>C on transcript NM_002294.3 (MANE Select); coding-DNA position 710, T replaced by C.
Protein change: p.Met237Thr; replaces methionine 237 with threonine.
Molecular consequence: missense variant.
Genome position (GRCh38, 1-based): chrX:120,447,872, A>G on the plus strand (T>C on the coding strand, the complement: LAMP2 is on the minus strand). VCF-style: chrX-120447872-A-G. GRCh37 (hg19) VCF-style: chrX-119581727-A-G.
Other names: c.710T>C (NM_002294.2); c.710T>C, p.Met237Thr (NM_001122606.1, NM_013995.2); short protein forms M237T.
Identifiers: ClinVar variation 1417611 (VCV001417611.7), dbSNP rs2147282386, ClinGen allele CA414401253.

ClinVar aggregate classification (germline): Uncertain significance. Review status: criteria provided, multiple submitters, no conflicts (2 of 4 stars). 2 submissions from 2 submitters: Uncertain significance (2). Last evaluated 2025-07-09.

Conditions:
Danon disease. Also called: PSEUDOGLYCOGENOSIS II; Glycogen Storage Disease Type IIb; ANTOPOL DISEASE; GSD IIb; LYSOSOMAL GLYCOGEN STORAGE DISEASE WITHOUT ACID MALTASE DEFICIENCY. Identifiers: Orphanet 34587, MedGen C0878677, MONDO:0010281, OMIM 300257.
Cardiovascular phenotype. Identifiers: MedGen CN230736.

Allele frequency attached by ClinVar (database versions not stated): gnomAD exomes below 0.00001.
gnomAD v4.1: 1 of 1,211,011 alleles (0.000083%); highest among the groups gnomAD compares: Non-Finnish European, 0.00011%; no homozygotes.

Submissions (2):

Ambry Genetics
Classification: Uncertain significance for Cardiovascular phenotype. Last evaluated: 2025-07-09. Review status: criteria provided, single submitter. Criteria: Ambry Variant Classification Scheme 2023. Collection method: clinical testing. Allele origin: germline.
Comment: The p.M237T variant (also known as c.710T>C), located in coding exon 5 of the LAMP2 gene, results from a T to C substitution at nucleotide position 710. The methionine at codon 237 is replaced by threonine, an amino acid with similar properties. This amino acid position is highly conserved in available vertebrate species. In addition, the in silico prediction for this alteration is inconclusive. Based on the available evidence, the clinical significance of this variant remains unclear.

Labcorp Genetics (formerly Invitae), Labcorp
Classification: Uncertain significance for Danon disease. Last evaluated: 2021-09-24. Review status: criteria provided, single submitter. Criteria: Invitae Variant Classification Sherloc (09022015). Collection method: clinical testing. Allele origin: germline.
Comment: Algorithms developed to predict the effect of missense changes on protein structure and function are either unavailable or do not agree on the potential impact of this missense change (SIFT: "Deleterious"; PolyPhen-2: "Probably Damaging"; Align-GVGD: "Class C0"). This sequence change replaces methionine with threonine at codon 237 of the LAMP2 protein (p.Met237Thr). The methionine residue is highly conserved and there is a moderate physicochemical difference between methionine and threonine. This variant is not present in population databases (ExAC no frequency). This variant has not been reported in the literature in individuals affected with LAMP2-related conditions. In summary, the available evidence is currently insufficient to determine the role of this variant in disease. Therefore, it has been classified as a Variant of Uncertain Significance.